The following is an entry in ClinVar:

ClinVar aggregate classification (germline): Uncertain significance (1 of 4 stars; one submission).

Conditions:
IVD-related disorder. Also called: IVD-related condition.

gnomAD v4.1: 3 of 1,197,044 alleles (0.00025%); highest among the groups gnomAD compares: South Asian, 0.0044%; no homozygotes.

Submission:

PreventionGenetics, part of Exact Sciences
Classification: Uncertain significance for IVD-related condition. Last evaluated: 2024-12-12. Review status: criteria provided, single submitter. Criteria: ACMG Guidelines, 2015. Collection method: clinical testing. Allele origin: germline.
Comment: The IVD c.1139-1G>A variant is predicted to disrupt the AG splice acceptor site and interfere with normal splicing. In the canonical transcript NM_002225 this variant is c.*17153G>A (Post-Coding). To our knowledge, this variant has not been reported in the literature or in a large population database (gnomAD), indicating this variant is rare. At this time, the clinical significance of this variant is uncertain due to the absence of conclusive functional and genetic evidence.

NM_001354601.3(IVD):c.1139-1G>A

Gene: IVD (isovaleryl-CoA dehydrogenase; plus strand). Cytogenetic location: 15q15.1.
Variant type: single nucleotide variant.
Coding change: c.1139-1G>A on transcript NM_001354601.3; the canonical splice acceptor site of the intron before coding-DNA position 1139, G replaced by A.
Molecular consequence: splice acceptor variant.
Genome position (GRCh38, 1-based): chr15:40,435,416, G>A. VCF-style: chr15-40435416-G-A. GRCh37 (hg19) VCF-style: chr15-40727615-G-A.
Other names: c.1308-1G>A (NM_001354600.3); c.1221-1G>A (NM_001354598.3).
Identifiers: ClinVar variation 4997868 (VCV004997868.1).